The following is an entry in ClinVar:

ClinVar aggregate classification (germline): Uncertain significance. Review status: criteria provided, multiple submitters, no conflicts (2 of 4 stars). 3 submissions from 3 submitters: Uncertain significance (3). Last evaluated 2024-01-03.

Conditions:
Primary ciliary dyskinesia. Also called: Ciliary dyskinesia. Identifiers: Orphanet 244, MedGen C0008780, MONDO:0016575, HP:0012265.

Allele frequency attached by ClinVar (database versions not stated): TOPMed 0.00006; ESP Exome Variant Server 0.00008; ExAC 0.00006; gnomAD exomes 0.00009 and 0.00016; gnomAD 0.00011.
gnomAD v4.1: 255 of 1,614,052 alleles (0.016%); highest among the groups gnomAD compares: Admixed American, 0.023%; no homozygotes.

Submissions (3):

Mayo Clinic Laboratories, Mayo Clinic
Classification: Uncertain significance. Last evaluated: 2024-01-03. Review status: criteria provided, single submitter. Criteria: ACMG Guidelines, 2015. Collection method: clinical testing. Allele origin: germline. Observed: 1 variant allele.
Comment: BP4, BP5

Ambry Genetics
Classification: Uncertain significance for Primary ciliary dyskinesia. Last evaluated: 2023-03-15. Review status: criteria provided, single submitter. Criteria: Ambry Variant Classification Scheme 2023. Collection method: clinical testing. Allele origin: germline.
Comment: The p.M202V variant (also known as c.604A>G), located in coding exon 5 of the DNAAF1 gene, results from an A to G substitution at nucleotide position 604. The methionine at codon 202 is replaced by valine, an amino acid with highly similar properties. This amino acid position is poorly conserved in available vertebrate species. In addition, this alteration is predicted to be tolerated by in silico analysis. Since supporting evidence is limited at this time, the clinical significance of this alteration remains unclear.

Labcorp Genetics (formerly Invitae), Labcorp
Classification: Uncertain significance for Primary ciliary dyskinesia. Last evaluated: 2022-07-16. Review status: criteria provided, single submitter. Criteria: Invitae Variant Classification Sherloc (09022015). Collection method: clinical testing. Allele origin: germline.
Comment: This sequence change replaces methionine, which is neutral and non-polar, with valine, which is neutral and non-polar, at codon 202 of the DNAAF1 protein (p.Met202Val). This variant is present in population databases (rs150672056, gnomAD 0.03%). This missense change has been observed in individual(s) with multiple congenital anomalies (PMID: 26633542). ClinVar contains an entry for this variant (Variation ID: 574291). Algorithms developed to predict the effect of missense changes on protein structure and function (SIFT, PolyPhen-2, Align-GVGD) all suggest that this variant is likely to be tolerated. Algorithms developed to predict the effect of sequence changes on RNA splicing suggest that this variant may create or strengthen a splice site. In summary, the available evidence is currently insufficient to determine the role of this variant in disease. Therefore, it has been classified as a Variant of Uncertain Significance.

Literature cited by the submitters: PubMed 26633542 (cited by Mayo Clinic Laboratories, Mayo Clinic and Labcorp Genetics (formerly Invitae), Labcorp).

NM_178452.6(DNAAF1):c.604A>G (p.Met202Val)

Gene: DNAAF1 (dynein axonemal assembly factor 1; plus strand). Cytogenetic location: 16q24.1.
Variant type: single nucleotide variant.
Coding change: c.604A>G on transcript NM_178452.6 (MANE Select); coding-DNA position 604, A replaced by G.
Protein change: p.Met202Val; replaces methionine 202 with valine.
Molecular consequence: missense variant.
Genome position (GRCh38, 1-based): chr16:84,155,612, A>G. VCF-style: chr16-84155612-A-G. GRCh37 (hg19) VCF-style: chr16-84189217-A-G.
Other names: p.Met202Val; short protein forms M202V.
Identifiers: ClinVar variation 574291 (VCV000574291.10), dbSNP rs150672056, ClinGen allele CA8202549.
Genomic context (GRCh38, chr16:84,155,612, plus strand): 5'-GTTTTTGACTTCTGCTGACCTTACCTTCCAGCCTGCCTCCCAGTCCTGAACACATTGCAG[A>G]TGGCCCACAATCACCTGGAGACCGTGGAGGACATTCAGCATCTACAAGAGTGTTTGAGGC-3'
Protein context (NP_848547.4, residues 192-212): SCLPVLNTLQ[Met202Val]AHNHLETVED